The following is an entry in ClinVar:

NM_006231.4(POLE):c.909+9del

Gene: POLE (DNA polymerase epsilon, catalytic subunit; minus strand). Cytogenetic location: 12q24.33.
Variant type: Deletion.
Coding change: c.909+9del on transcript NM_006231.4 (MANE Select); 9 bases into the intron after coding-DNA position 909, one base deleted (G; older notation c.909+9delG).
Molecular consequence: intron variant.
Genome position (GRCh38, 1-based): chr12:132,676,537, C deleted on the plus strand (G on the coding strand, the reverse complement: POLE is on the minus strand); the first of 2 consecutive C bases (chr12:132,676,537-132,676,538); deleting either gives the same sequence. VCF-style (leftmost placement, unchanged base first): chr12-132676536-AC-A. GRCh37 (hg19) VCF-style: chr12-133253122-AC-A.
Identifiers: ClinVar variation 3904456 (VCV003904456.1).
Genomic context (GRCh38, chr12:132,676,536, plus strand): 5'-GCTGCTGTAGTATGGGGACCAGACAAGGTCCCCATCCCAGGAGCTTACTTCCCAGAAGCC[AC>A]CTGCTCACCTGGCCATCGATCATGTAGGAAATCATCATAATCTGGTCTGTCTCAGCATCA-3'

ClinVar aggregate classification (germline): Likely benign (1 of 4 stars; one submission).

Conditions:
Colorectal cancer, susceptibility to, 12 (CRCS12). Also called: COLORECTAL CANCER, SUSCEPTIBILITY TO, ON CHROMOSOME 12q24. Identifiers: Orphanet 220460, MedGen C3554460, MONDO:0014038, OMIM 615083.

Submission:

Myriad Genetics, Inc.
Classification: Likely benign for Colorectal cancer, susceptibility to, 12. Last evaluated: 2025-02-07. Review status: criteria provided, single submitter. Criteria: Myriad Autosomal Dominant, Autosomal Recessive and X-Linked Classification Criteria (2023). Collection method: clinical testing. Allele origin: unknown.
Comment: This variant is considered likely benign. This variant is intronic and is not expected to impact mRNA splicing.